The following is an entry in ClinVar:

ClinVar aggregate classification (germline): Likely benign. Review status: criteria provided, multiple submitters, no conflicts (2 of 4 stars). 3 submissions from 3 submitters: Likely benign (3). Last evaluated 2025-11-18.

Conditions:
VCAN-related disorder. Also called: VCAN-related condition.

Allele frequency attached by ClinVar (database versions not stated): gnomAD exomes 0.00003 and 0.00004; gnomAD 0.00005; TOPMed 0.00011.
gnomAD v4.1: 60 of 1,614,070 alleles (0.0037%); highest among the groups gnomAD compares: Middle Eastern, 0.13%; no homozygotes.

Submissions (3):

Labcorp Genetics (formerly Invitae), Labcorp
Classification: Likely benign. Last evaluated: 2025-11-18. Review status: criteria provided, single submitter. Criteria: Invitae Variant Classification Sherloc (09022015). Collection method: clinical testing. Allele origin: germline.

PreventionGenetics, part of Exact Sciences
Classification: Likely benign for VCAN-related condition. Last evaluated: 2024-12-05. Review status: criteria provided, single submitter. Criteria: ACMG Guidelines, 2015. Collection method: clinical testing. Allele origin: germline.
Comment: This variant is classified as likely benign based on ACMG/AMP sequence variant interpretation guidelines (Richards et al. 2015 PMID: 25741868, with internal and published modifications).

Blueprint Genetics
Classification: Likely benign. Last evaluated: 2023-09-13. Review status: criteria provided, single submitter. Criteria: ACMG Guidelines, 2015. Collection method: clinical testing. Allele origin: germline.

NM_004385.5(VCAN):c.1227A>G (p.Thr409=)

Gene: VCAN (versican; plus strand). Cytogenetic location: 5q14.3.
Variant type: single nucleotide variant.
Coding change: c.1227A>G on transcript NM_004385.5 (MANE Select); coding-DNA position 1227, A replaced by G.
Protein change: p.Thr409=; no amino-acid change (threonine 409 retained).
Molecular consequence: synonymous variant. On other transcripts: intron variant (2).
Genome position (GRCh38, 1-based): chr5:83,519,533, A>G. VCF-style: chr5-83519533-A-G. GRCh37 (hg19) VCF-style: chr5-82815352-A-G.
Other names: c.1227A>G (NM_004385.4); c.1227A>G, p.Thr409= (NM_001164098.2); c.1042+7137A>G (NM_001164097.2, NM_001126336.3).
Identifiers: ClinVar variation 1134512 (VCV001134512.11), dbSNP rs780426615, ClinGen allele CA121790636.
Genomic context (GRCh38, chr5:83,519,533, plus strand): 5'-TGTCATTCCAACAGAGTTCCCTCCCGTGGGAAATATTGTCAGTTTTGAACAGAAAGCCAC[A>G]GTCCAACCTCAGGCTATCACAGATAGTTTAGCCACCAAATTACCCACACCTACTGGCAGT-3'
Protein context (NP_004376.2, residues 399-419): GNIVSFEQKA[Thr409=]VQPQAITDSL